The following is an entry in ClinVar:

ClinVar aggregate classification (germline): Conflicting classifications of pathogenicity. Review status: criteria provided, conflicting classifications (1 of 4 stars). 4 submissions from 4 submitters: Uncertain significance (3); Likely benign (1). Last evaluated 2025-02-05.

Conditions:
Cardiovascular phenotype. Identifiers: MedGen CN230736.
Cardiomyopathy (CMYO). Also called: Cardiomyopathies. Identifiers: Orphanet 167848, MedGen C0878544, MONDO:0004994, HP:0001638. Inheritance: Various modes of inheritance.
Arrhythmogenic right ventricular dysplasia 10. Also called: Arrhythmogenic Right Ventricular Dysplasia/Cardiomyopathy10; Arrhythmogenic right ventricular dysplasia/cardiomyopathy, type 10; ARRHYTHMOGENIC RIGHT VENTRICULAR DYSPLASIA, FAMILIAL, 10. Identifiers: MedGen C1857777, MONDO:0012434, OMIM 610193.

Allele frequency attached by ClinVar (database versions not stated): gnomAD exomes below 0.00001.
gnomAD v4.1: 2 of 1,601,914 alleles (0.00012%); highest among the groups gnomAD compares: Middle Eastern, 0.017%; no homozygotes.

Submissions (4):

Ambry Genetics
Classification: Likely benign for Cardiovascular phenotype. Last evaluated: 2025-02-05. Review status: criteria provided, single submitter. Criteria: Ambry Variant Classification Scheme 2023. Collection method: clinical testing. Allele origin: germline.

Labcorp Genetics (formerly Invitae), Labcorp
Classification: Uncertain significance for Arrhythmogenic right ventricular dysplasia 10. Last evaluated: 2024-07-18. Review status: criteria provided, single submitter. Criteria: Invitae Variant Classification Sherloc (09022015). Collection method: clinical testing. Allele origin: germline.
Comment: This sequence change replaces methionine, which is neutral and non-polar, with threonine, which is neutral and polar, at codon 757 of the DSG2 protein (p.Met757Thr). This variant is not present in population databases (gnomAD no frequency). This variant has not been reported in the literature in individuals affected with DSG2-related conditions. ClinVar contains an entry for this variant (Variation ID: 228631). Advanced modeling of protein sequence and biophysical properties (such as structural, functional, and spatial information, amino acid conservation, physicochemical variation, residue mobility, and thermodynamic stability) performed at Invitae indicates that this missense variant is not expected to disrupt DSG2 protein function with a negative predictive value of 95%. In summary, the available evidence is currently insufficient to determine the role of this variant in disease. Therefore, it has been classified as a Variant of Uncertain Significance.

Color Diagnostics, LLC DBA Color Health
Classification: Uncertain significance for Cardiomyopathy. Last evaluated: 2019-07-09. Review status: criteria provided, single submitter. Criteria: ACMG Guidelines, 2015. Collection method: clinical testing. Allele origin: germline.
Comment: This missense variant replaces methionine with threonine at codon 757 of the DSG2 protein. Computational prediction tools and conservation analyses suggest that this variant may not impact the protein function. Computational splicing tools suggest that this variant may not impact RNA splicing. To our knowledge, functional assays have not been performed for this variant nor has this variant been reported in individuals affected with cardiovascular disorders in the literature. This variant has not been identified in the general population by the Genome Aggregation Database (gnomAD). Available evidence is insufficient to determine the role of this variant in disease conclusively. Therefore, this variant is classified as a Variant of Uncertain Significance.

Laboratory for Molecular Medicine, Mass General Brigham Personalized Medicine
Classification: Uncertain significance. Last evaluated: 2015-05-16. Review status: criteria provided, single submitter. Criteria: LMM Criteria. Collection method: clinical testing. Allele origin: germline. Observed: 1 variant allele.
Comment: Variant classified as Uncertain Significance - Favor Benign. The p.Met757Thr var iant in DSG2 has not been previously reported in individuals with cardiomyopathy and was absent from large population studies. Methionine (Met) at position 757 is not conserved in evolution and 1 mammal (elephant) carries a threonine (Thr), raising the possibility that this change may be tolerated. In summary, while th e clinical significance of the p.Met757Thr variant is uncertain, the presence of the variant amino acid in other species suggests that it is more likely to be b enign.

Literature cited by the submitters: PubMed 31983221 (cited by Ambry Genetics).

NM_001943.5(DSG2):c.2270T>C (p.Met757Thr)

Genes: DSG2 (desmoglein 2; plus strand), DSG2-AS1 (DSG2 antisense RNA 1; minus strand). Cytogenetic location: 18q12.1.
Variant type: single nucleotide variant.
Coding change: c.2270T>C on transcript NM_001943.5 (MANE Select); coding-DNA position 2270, T replaced by C.
Protein change: p.Met757Thr; replaces methionine 757 with threonine.
Molecular consequence: missense variant.
Genome position (GRCh38, 1-based): chr18:31,542,788, T>C. VCF-style: chr18-31542788-T-C. GRCh37 (hg19) VCF-style: chr18-29122751-T-C.
Other names: short protein forms M757T.
Identifiers: ClinVar variation 228631 (VCV000228631.18), dbSNP rs876657792, ClinGen allele CA10577054.